The following is an entry in ClinVar:

ClinVar aggregate classification (germline): Likely benign (1 of 4 stars; one submission).

Allele frequency attached by ClinVar (database versions not stated): ExAC below 0.00001; gnomAD exomes 0.00003 and below 0.00001; TOPMed below 0.00001; gnomAD 0.00001; 1000 Genomes Project 30x 0.00031.

Submission:

GeneDx
Classification: Likely benign. Last evaluated: 2016-03-28. Review status: criteria provided, single submitter. Criteria: GeneDx Variant Classification (06012015). Collection method: clinical testing. Allele origin: germline. Affected: yes.
Comment: This variant is considered likely benign or benign based on one or more of the following criteria: it is a conservative change, it occurs at a poorly conserved position in the protein, it is predicted to be benign by multiple in silico algorithms, and/or has population frequency not consistent with disease.

NM_001182.4(ALDH7A1):c.-30C>T

Gene: ALDH7A1 (aldehyde dehydrogenase 7 family member A1; minus strand). Cytogenetic location: 5q23.2.
Variant type: single nucleotide variant.
Coding change: c.-30C>T on transcript NM_001182.4; 30 bases upstream of the start codon, C replaced by T.
Genome position (GRCh38, 1-based): chr5:126,595,228, G>A on the plus strand (C>T on the coding strand, the complement: ALDH7A1 is on the minus strand). VCF-style: chr5-126595228-G-A. GRCh37 (hg19) VCF-style: chr5-125930920-G-A.
Identifiers: ClinVar variation 384869 (VCV000384869.3), dbSNP rs760633380, ClinGen allele CA3389951.